The following is an entry in ClinVar:

ClinVar aggregate classification (germline): Uncertain significance (1 of 4 stars; one submission).

Submission:

GeneDx
Classification: Uncertain significance. Last evaluated: 2023-02-14. Review status: criteria provided, single submitter. Criteria: GeneDx Variant Classification Process June 2021. Collection method: clinical testing. Allele origin: germline. Affected: yes.
Comment: In silico analysis supports that this variant does not alter protein structure/function; Has not been previously published as pathogenic or benign to our knowledge

NM_022124.6(CDH23):c.4051_4053delinsGAT (p.Asn1351Asp)

Genes: C10orf105 (chromosome 10 open reading frame 105; minus strand), CDH23 (cadherin related 23; plus strand). Cytogenetic location: 10q22.1.
Variant type: Indel.
Coding change: c.4051_4053delinsGAT on transcript NM_022124.6 (MANE Select); coding-DNA positions 4051 to 4053, AAC replaced by GAT.
Protein change: p.Asn1351Asp; replaces asparagine 1351 with aspartic acid.
Molecular consequence: missense variant. On other transcripts: intron variant (1).
Genome position (GRCh38, 1-based): chr10:71,732,322-71,732,324, AAC replaced by GAT. VCF-style: chr10-71732322-AAC-GAT. GRCh37 (hg19) VCF-style: chr10-73492079-AAC-GAT.
Other names: c.4051_4053delinsGAT, p.Asn1351Asp (NM_001171930.2); c.-6+5404_-6+5406delinsATC (NM_001168390.2); short protein forms N1351D.
Identifiers: ClinVar variation 2575872 (VCV002575872.1), dbSNP rs2494187229, ClinGen allele CA2580615503.